The following is an entry in ClinVar:

ClinVar aggregate classification (germline): Uncertain significance (1 of 4 stars; one submission).

Conditions:
Combined immunodeficiency due to DOCK8 deficiency (HIES2). Also called: HYPER-IgE RECURRENT INFECTION SYNDROME 2, AUTOSOMAL RECESSIVE; HYPER-IgE SYNDROME 2, AUTOSOMAL RECESSIVE, WITH RECURRENT INFECTIONS; HIES autosomal recessive; DOCK8 Deficiency; Hyper-IgE recurrent infection syndrome, autosomal recessive. Identifiers: Orphanet 217390, MedGen C4722305, MONDO:0009478, OMIM 243700.

Allele frequency attached by ClinVar (database versions not stated): gnomAD exomes below 0.00001; TOPMed below 0.00001; ExAC 0.00001; gnomAD 0.00001.
gnomAD v4.1: 6 of 1,613,672 alleles (0.00037%); highest among the groups gnomAD compares: African/African-American, 0.0013%; no homozygotes.

Submission:

Labcorp Genetics (formerly Invitae), Labcorp
Classification: Uncertain significance for Combined immunodeficiency due to DOCK8 deficiency. Last evaluated: 2021-08-14. Review status: criteria provided, single submitter. Criteria: Invitae Variant Classification Sherloc (09022015). Collection method: clinical testing. Allele origin: germline.
Comment: This sequence change replaces threonine with alanine at codon 463 of the DOCK8 protein (p.Thr463Ala). The threonine residue is weakly conserved and there is a small physicochemical difference between threonine and alanine. This variant is present in population databases (rs762538542, ExAC 0.01%). This variant has not been reported in the literature in individuals affected with DOCK8-related conditions. Algorithms developed to predict the effect of missense changes on protein structure and function output the following: SIFT: "Tolerated"; PolyPhen-2: "Benign"; Align-GVGD: "Class C0". The alanine amino acid residue is found in multiple mammalian species, which suggests that this missense change does not adversely affect protein function. Algorithms developed to predict the effect of sequence changes on RNA splicing suggest that this variant may create or strengthen a splice site. In summary, the available evidence is currently insufficient to determine the role of this variant in disease. Therefore, it has been classified as a Variant of Uncertain Significance.

NM_203447.4(DOCK8):c.1387A>G (p.Thr463Ala)

Gene: DOCK8 (dedicator of cytokinesis 8; plus strand). Cytogenetic location: 9p24.3.
Variant type: single nucleotide variant.
Coding change: c.1387A>G on transcript NM_203447.4 (MANE Select); coding-DNA position 1387, A replaced by G.
Protein change: p.Thr463Ala; replaces threonine 463 with alanine.
Molecular consequence: missense variant.
Genome position (GRCh38, 1-based): chr9:336,683, A>G. VCF-style: chr9-336683-A-G. GRCh37 (hg19) VCF-style: chr9-336683-A-G.
Other names: c.1183A>G, p.Thr395Ala (NM_001190458.2, NM_001193536.2); short protein forms T395A, T463A.
Identifiers: ClinVar variation 1369245 (VCV001369245.5), dbSNP rs762538542, ClinGen allele CA4957708.
Genomic context (GRCh38, chr9:336,683, plus strand): 5'-AGAAGGCTTTCTGAAAGAGCCCTCTCCTTGGAGGAAAATGGGGTTGGATCCAACTTCAAA[A>G]CCTCCACTCTGAGCGTTAGCAGCTTTTTCAAGCAGGTATCTCTTCACATTACAGTGTGTC-3'
Protein context (NP_982272.2, residues 453-473): EENGVGSNFK[Thr463Ala]STLSVSSFFK